The following is an entry in ClinVar:

ClinVar aggregate classification (germline): Uncertain significance (1 of 4 stars; one submission).

Conditions:
Neuropathy, hereditary sensory and autonomic, type 2A (HSAN2A). Also called: ACROOSTEOLYSIS, GIACCAI TYPE; ACROOSTEOLYSIS, NEUROGENIC; MORVAN DISEASE; NEUROPATHY, CONGENITAL SENSORY; NEUROPATHY, HEREDITARY SENSORY RADICULAR, AUTOSOMAL RECESSIVE; NEUROPATHY, HEREDITARY SENSORY, TYPE IIA. Identifiers: Orphanet 970, MedGen C2752089, MONDO:0024309, OMIM 201300.
Pseudohypoaldosteronism type 2C (PHA2C). Also called: Pseudohypoaldosteronism Type IIC. Identifiers: Orphanet 757, Orphanet 88940, MedGen C1840391, MONDO:0013778, OMIM 614492.

Submission:

Labcorp Genetics (formerly Invitae), Labcorp
Classification: Uncertain significance for Neuropathy, hereditary sensory and autonomic, type 2A; Pseudohypoaldosteronism type 2C. Last evaluated: 2022-02-02. Review status: criteria provided, single submitter. Criteria: Invitae Variant Classification Sherloc (09022015). Collection method: clinical testing. Allele origin: germline.
Comment: In summary, the available evidence is currently insufficient to determine the role of this variant in disease. Therefore, it has been classified as a Variant of Uncertain Significance. Advanced modeling of protein sequence and biophysical properties (such as structural, functional, and spatial information, amino acid conservation, physicochemical variation, residue mobility, and thermodynamic stability) performed at Invitae indicates that this missense variant is not expected to disrupt WNK1 protein function. This variant has not been reported in the literature in individuals affected with WNK1-related conditions. This variant is not present in population databases (gnomAD no frequency). This sequence change replaces asparagine, which is neutral and polar, with threonine, which is neutral and polar, at codon 2297 of the WNK1 protein (p.Asn2297Thr).

NM_018979.4(WNK1):c.6134A>C (p.Asn2045Thr)

Gene: WNK1 (WNK lysine deficient protein kinase 1; plus strand). Cytogenetic location: 12p13.33.
Variant type: single nucleotide variant.
Coding change: c.6134A>C on transcript NM_018979.4 (MANE Select); coding-DNA position 6134, A replaced by C.
Protein change: p.Asn2045Thr; replaces asparagine 2045 with threonine.
Molecular consequence: missense variant.
Genome position (GRCh38, 1-based): chr12:896,621, A>C. VCF-style: chr12-896621-A-C. GRCh37 (hg19) VCF-style: chr12-1005787-A-C.
Other names: c.6914A>C, p.Asn2305Thr (NM_001184985.2); c.5390A>C, p.Asn1797Thr (NM_014823.3); c.6890A>C, p.Asn2297Thr (NM_213655.5); short protein forms N2305T, N1797T, N2045T, N2297T.
Identifiers: ClinVar variation 1503972 (VCV001503972.8), dbSNP rs2154094785, ClinGen allele CA383336654.